The following is an entry in ClinVar:

NM_152468.5(TMC8):c.31C>G (p.Arg11Gly)

Genes: TMC6 (transmembrane channel like 6; minus strand), TMC8 (transmembrane channel like 8; plus strand), LOC130061792 (ATAC-STARR-seq lymphoblastoid silent region 9043; plus strand). Cytogenetic location: 17q25.3.
Variant type: single nucleotide variant.
Coding change: c.31C>G on transcript NM_152468.5 (MANE Select); coding-DNA position 31, C replaced by G.
Protein change: p.Arg11Gly; replaces arginine 11 with glycine.
Molecular consequence: missense variant. On other transcripts: intron variant (1).
Genome position (GRCh38, 1-based): chr17:78,131,619, C>G. VCF-style: chr17-78131619-C-G. GRCh37 (hg19) VCF-style: chr17-76127700-C-G.
Other names: c.-75+722G>C (NM_007267.7); short protein forms R11G.
Identifiers: ClinVar variation 1038697 (VCV001038697.7), dbSNP rs1222145664, ClinGen allele CA401238623.

ClinVar aggregate classification (germline): Uncertain significance (1 of 4 stars; one submission).

Conditions:
Epidermodysplasia verruciformis. Identifiers: Orphanet 302, MedGen C0014522, MONDO:0009176.

gnomAD v4.1: 1 of 1,550,516 alleles (0.000064%); highest among the groups gnomAD compares: Non-Finnish European, 0.000087%; no homozygotes.

Submission:

Labcorp Genetics (formerly Invitae), Labcorp
Classification: Uncertain significance for Epidermodysplasia verruciformis. Last evaluated: 2021-09-01. Review status: criteria provided, single submitter. Criteria: Invitae Variant Classification Sherloc (09022015). Collection method: clinical testing. Allele origin: germline.
Comment: This sequence change replaces arginine with glycine at codon 11 of the TMC8 protein (p.Arg11Gly). The arginine residue is weakly conserved and there is a moderate physicochemical difference between arginine and glycine. The frequency data for this variant in the population databases is considered unreliable, as metrics indicate insufficient coverage at this position in the ExAC database. This variant has not been reported in the literature in individuals affected with TMC8-related conditions. Algorithms developed to predict the effect of missense changes on protein structure and function (SIFT, PolyPhen-2, Align-GVGD) all suggest that this variant is likely to be tolerated. In summary, the available evidence is currently insufficient to determine the role of this variant in disease. Therefore, it has been classified as a Variant of Uncertain Significance.